The following is an entry in ClinVar:

NM_004415.4(DSP):c.1056_1061del (p.Asp352_Leu354delinsGlu)

Gene: DSP (desmoplakin; plus strand). Cytogenetic location: 6p24.3.
Variant type: Deletion.
Coding change: c.1056_1061del on transcript NM_004415.4 (MANE Select); coding-DNA positions 1056 to 1061, 6 bases deleted (CACTCT; older notation c.1056_1061delCACTCT).
Protein change: p.Asp352_Leu354delinsGlu.
Molecular consequence: inframe indel.
Genome position (GRCh38, 1-based): chr6:7,567,365-7,567,370, CACTCT deleted. VCF-style (leftmost placement, unchanged base first): chr6-7567364-ACACTCT-A. GRCh37 (hg19) VCF-style: chr6-7567597-ACACTCT-A.
Other names: c.1056_1061del, p.Asp352_Leu354delinsGlu (NM_001008844.3, NM_001319034.2).
Identifiers: ClinVar variation 1000978 (VCV001000978.9), dbSNP rs1758892954, ClinGen allele CA1608620562.

ClinVar aggregate classification (germline): Uncertain significance (1 of 4 stars; one submission).

Conditions:
Arrhythmogenic right ventricular dysplasia 8 (ARVD8). Also called: Arrhythmogenic Right Ventricular Dysplasia/Cardiomyopathy 8; ARRHYTHMOGENIC RIGHT VENTRICULAR DYSPLASIA, FAMILIAL, 8; ARRHYTHMOGENIC RIGHT VENTRICULAR CARDIOMYOPATHY 8. Identifiers: MedGen C1843896, MONDO:0011831, OMIM 607450.
Arrhythmogenic cardiomyopathy with wooly hair and keratoderma. Also called: Dilated cardiomyopathy with woolly hair and keratoderma; Carvajal syndrome; Arrhythmogenic cardiomyopathy with woolly hair and keratoderma; PALMOPLANTAR KERATODERMA WITH LEFT VENTRICULAR CARDIOMYOPATHY AND WOOLLY HAIR. Identifiers: Orphanet 65282, MedGen C1854063, MONDO:0011581, OMIM 605676.

Submission:

Labcorp Genetics (formerly Invitae), Labcorp
Classification: Uncertain significance for Arrhythmogenic cardiomyopathy with wooly hair and keratoderma; Arrhythmogenic right ventricular dysplasia 8. Last evaluated: 2020-07-29. Review status: criteria provided, single submitter. Criteria: Invitae Variant Classification Sherloc (09022015). Collection method: clinical testing. Allele origin: germline.
Comment: In summary, the available evidence is currently insufficient to determine the role of this variant in disease. Therefore, it has been classified as a Variant of Uncertain Significance. Experimental studies and prediction algorithms are not available or were not evaluated, and the functional significance of this variant is currently unknown. This variant has not been reported in the literature in individuals with DSP-related conditions. This variant is not present in population databases (ExAC no frequency). This variant, c.1056_1061del, is a complex sequence change that results in the deletion of 3 and insertion of 1 amino acid(s) in the DSP protein (p.Asp352_Leu354delinsGlu), but otherwise preserves the integrity of the reading frame.